The following is an entry in ClinVar:

ClinVar aggregate classification (germline): Uncertain significance. Review status: criteria provided, multiple submitters, no conflicts (2 of 4 stars). 2 submissions from 2 submitters: Uncertain significance (2). Last evaluated 2025-12-25.

Allele frequency attached by ClinVar (database versions not stated): gnomAD 0.00001 and 0.00002; TOPMed 0.00002; gnomAD exomes 0.00006; ExAC 0.00007; 1000 Genomes Project 30x 0.00016; 1000 Genomes Project 0.00020.
gnomAD v4.1: 93 of 1,614,222 alleles (0.0058%); highest among the groups gnomAD compares: South Asian, 0.0099%; no homozygotes.

Submissions (2):

Labcorp Genetics (formerly Invitae), Labcorp
Classification: Uncertain significance. Last evaluated: 2025-12-25. Review status: criteria provided, single submitter. Criteria: Invitae Variant Classification Sherloc (09022015). Collection method: clinical testing. Allele origin: germline.
Comment: This sequence change replaces aspartic acid, which is acidic and polar, with asparagine, which is neutral and polar, at codon 4027 of the ANK3 protein (p.Asp4027Asn). This variant is present in population databases (rs561525408, gnomAD 0.02%). This variant has not been reported in the literature in individuals affected with ANK3-related conditions. ClinVar contains an entry for this variant (Variation ID: 1517983). An algorithm developed to predict the effect of missense changes on protein structure and function (PolyPhen-2) suggests that this variant is likely to be disruptive. In summary, the available evidence is currently insufficient to determine the role of this variant in disease. Therefore, it has been classified as a Variant of Uncertain Significance.

CeGaT Center for Human Genetics Tuebingen
Classification: Uncertain significance. Last evaluated: 2025-03-01. Review status: criteria provided, single submitter. Criteria: CeGaT Center For Human Genetics Tuebingen Variant Classification Criteria Version 2. Collection method: clinical testing. Allele origin: germline. Affected: yes. Observed: 1 variant allele.

NM_020987.5(ANK3):c.12079G>A (p.Asp4027Asn)

Gene: ANK3 (ankyrin 3; minus strand). Cytogenetic location: 10q21.2.
Variant type: single nucleotide variant.
Coding change: c.12079G>A on transcript NM_020987.5 (MANE Select); coding-DNA position 12079, G replaced by A.
Protein change: p.Asp4027Asn; replaces aspartic acid 4027 with asparagine.
Molecular consequence: missense variant. On other transcripts: intron variant (4).
Genome position (GRCh38, 1-based): chr10:60,068,802, C>T on the plus strand (G>A on the coding strand, the complement: ANK3 is on the minus strand). VCF-style: chr10-60068802-C-T. GRCh37 (hg19) VCF-style: chr10-61828560-C-T.
Other names: c.4388-793G>A (NM_001204403.2); c.4409-793G>A (NM_001204404.2); c.4406-793G>A (NM_001320874.2); c.1808-793G>A (NM_001149.4); short protein forms D4027N.
Identifiers: ClinVar variation 1517983 (VCV001517983.13), dbSNP rs561525408, ClinGen allele CA5510977.
Genomic context (GRCh38, chr10:60,068,802, plus strand): 5'-GCTGGCCACCCCGGGAAGTCTCGGACAACGACGTGTTTCTTGAGGTACTTTCTTCCTCAT[C>T]GGACAACTCGGACTGCATCTTTTTTTCTTCTTCAGAGAGGCGGTCCACAAGCTTTAAGGT-3'
Protein context (NP_066267.2, residues 4017-4037): EEKKMQSELS[Asp4027Asn]EEESTSRNTS